The following is an entry in ClinVar:

ClinVar aggregate classification (germline): Uncertain significance (1 of 4 stars; one submission).

Submission:

GeneDx
Classification: Uncertain significance. Last evaluated: 2014-08-07. Review status: criteria provided, single submitter. Criteria: GeneDx Variant Classification (06012015). Collection method: clinical testing. Allele origin: germline. Affected: yes.
Comment: The normal sequence with the bases that are deleted in braces is: TCTG{TG}ACGG. Although rare, mutations in the MYLK2 gene have been reported previously in association with hypertrophic cardiomyopathy (Davis J et al., 2001).The C391X variant in the MYLK2 gene has not been reported as a pathogenic variant or as a benign polymorphism to our knowledge. C391X is predicted to cause loss of normal protein function either by protein truncation or nonsense-mediated mRNA decay. However, only three variants, all of which are missense changes, have been reported. Therefore, based on the currently available information, it is unclear whether this variant is a pathogenic variant or a rare benign variant.

NM_033118.4(MYLK2):c.1173_1174del (p.Cys391_Asp392delinsTer)

Gene: MYLK2 (myosin light chain kinase 2; plus strand). Cytogenetic location: 20q11.21.
Variant type: Microsatellite.
Coding change: c.1173_1174del on transcript NM_033118.4 (MANE Select); coding-DNA positions 1173 to 1174, 2 bases deleted (TG; older notation c.1173_1174delTG).
Protein change: p.Cys391_Asp392delinsTer.
Molecular consequence: nonsense.
Genome position (GRCh38, 1-based): chr20:31,826,887-31,826,888, TG deleted; deleting any 2 consecutive bases within chr20:31,826,885-31,826,888 gives the same sequence; the c. name uses the placement nearest the transcript's 3' end. VCF-style (leftmost placement, unchanged base first): chr20-31826884-CTG-C. GRCh37 (hg19) VCF-style: chr20-30414687-CTG-C.
Other names: p.C391*:TGT>TGA; c.1173_1174delTG (NM_033118.3).
Identifiers: ClinVar variation 201865 (VCV000201865.2), dbSNP rs794729067, ClinGen allele CA335259.